The following is an entry in ClinVar:

NM_173628.4(DNAH17):c.2274C>T (p.Phe758=)

Gene: DNAH17 (dynein axonemal heavy chain 17; minus strand). Cytogenetic location: 17q25.3.
Variant type: single nucleotide variant.
Coding change: c.2274C>T on transcript NM_173628.4 (MANE Select); coding-DNA position 2274, C replaced by T.
Protein change: p.Phe758=; no amino-acid change (phenylalanine 758 retained).
Molecular consequence: synonymous variant.
Genome position (GRCh38, 1-based): chr17:78,552,710, G>A on the plus strand (C>T on the coding strand, the complement: DNAH17 is on the minus strand). VCF-style: chr17-78552710-G-A. GRCh37 (hg19) VCF-style: chr17-76548792-G-A.
Identifiers: ClinVar variation 4533832 (VCV004533832.6).

ClinVar aggregate classification (germline): Likely benign (1 of 4 stars; one submission).

gnomAD v4.1: 123 of 1,613,742 alleles (0.0076%); highest among the groups gnomAD compares: African/African-American, 0.12%; 1 homozygote.

Submission:

CeGaT Center for Human Genetics Tuebingen
Classification: Likely benign. Last evaluated: 2025-11-01. Review status: criteria provided, single submitter. Criteria: CeGaT Center For Human Genetics Tuebingen Variant Classification Criteria Version 2. Collection method: clinical testing. Allele origin: germline. Affected: yes. Observed: 1 variant allele.
Comment: DNAH17: BP4, BP7